The following is an entry in ClinVar:

ClinVar aggregate classification (germline): Uncertain significance. Review status: criteria provided, multiple submitters, no conflicts (2 of 4 stars). 2 submissions from 2 submitters: Uncertain significance (2). Last evaluated 2023-01-23.

Conditions:
Saldino-Mainzer syndrome (SRTD9). Also called: CONORENAL SYNDROME; short-rib thoracic dysplasia 9 with or without polydactyly; SHORT-RIB THORACIC DYSPLASIA 9 WITHOUT POLYDACTYLY; Renal dysplasia, retinal pigmentary dystrophy, cerebellar ataxia and skeletal dysplasia. Identifiers: Orphanet 140969, MedGen C1849437, MONDO:0009964, OMIM 266920.

Allele frequency attached by ClinVar (database versions not stated): gnomAD exomes below 0.00001.
gnomAD v4.1: 1 of 1,614,112 alleles (0.000062%); highest among the groups gnomAD compares: Non-Finnish European, 0.000085%; no homozygotes.

Submissions (2):

Blueprint Genetics
Classification: Uncertain significance. Last evaluated: 2023-01-23. Review status: criteria provided, single submitter. Criteria: ACMG Guidelines, 2015. Collection method: clinical testing. Allele origin: germline.

Labcorp Genetics (formerly Invitae), Labcorp
Classification: Uncertain significance for Saldino-Mainzer syndrome. Last evaluated: 2022-06-20. Review status: criteria provided, single submitter. Criteria: Invitae Variant Classification Sherloc (09022015). Collection method: clinical testing. Allele origin: germline.
Comment: In summary, the available evidence is currently insufficient to determine the role of this variant in disease. Therefore, it has been classified as a Variant of Uncertain Significance. Algorithms developed to predict the effect of missense changes on protein structure and function are either unavailable or do not agree on the potential impact of this missense change (SIFT: "Deleterious"; PolyPhen-2: "Probably Damaging"; Align-GVGD: "Class C0"). This missense change has been observed in individual(s) with clinical features of retinitis pigmentosa (Invitae). It has also been observed to segregate with disease in related individuals. This variant is not present in population databases (gnomAD no frequency). This sequence change replaces tyrosine, which is neutral and polar, with cysteine, which is neutral and slightly polar, at codon 1253 of the IFT140 protein (p.Tyr1253Cys).

NM_014714.4(IFT140):c.3758A>G (p.Tyr1253Cys)

Gene: IFT140 (intraflagellar transport 140; minus strand). Cytogenetic location: 16p13.3.
Variant type: single nucleotide variant.
Coding change: c.3758A>G on transcript NM_014714.4 (MANE Select); coding-DNA position 3758, A replaced by G.
Protein change: p.Tyr1253Cys; replaces tyrosine 1253 with cysteine.
Molecular consequence: missense variant.
Genome position (GRCh38, 1-based): chr16:1,520,246, T>C on the plus strand (A>G on the coding strand, the complement: IFT140 is on the minus strand). VCF-style: chr16-1520246-T-C. GRCh37 (hg19) VCF-style: chr16-1570247-T-C.
Other names: short protein forms Y1253C.
Identifiers: ClinVar variation 1383207 (VCV001383207.7), dbSNP rs2141144779, ClinGen allele CA394224466.